The following is an entry in ClinVar:

ClinVar aggregate classification (germline): Uncertain significance (1 of 4 stars; one submission).

Conditions:
Dyskeratosis congenita. Identifiers: Orphanet 1775, MedGen C0265965, MONDO:0015780.

Submission:

Labcorp Genetics (formerly Invitae), Labcorp
Classification: Uncertain significance for Dyskeratosis congenita. Last evaluated: 2024-10-23. Review status: criteria provided, single submitter. Criteria: Invitae Variant Classification Sherloc (09022015). Collection method: clinical testing. Allele origin: germline.
Comment: This sequence change replaces methionine, which is neutral and non-polar, with isoleucine, which is neutral and non-polar, at codon 361 of the TINF2 protein (p.Met361Ile). This variant is not present in population databases (gnomAD no frequency). This variant has not been reported in the literature in individuals affected with TINF2-related conditions. ClinVar contains an entry for this variant (Variation ID: 957410). An algorithm developed to predict the effect of missense changes on protein structure and function outputs the following: PolyPhen-2: "Benign". The isoleucine amino acid residue is found in multiple mammalian species, which suggests that this missense change does not adversely affect protein function. Algorithms developed to predict the effect of sequence changes on RNA splicing suggest that this variant may disrupt the consensus splice site. In summary, the available evidence is currently insufficient to determine the role of this variant in disease. Therefore, it has been classified as a Variant of Uncertain Significance.

NM_001099274.3(TINF2):c.1083G>A (p.Met361Ile)

Gene: TINF2 (TERF1 interacting nuclear factor 2; minus strand). Cytogenetic location: 14q12.
Variant type: single nucleotide variant.
Coding change: c.1083G>A on transcript NM_001099274.3 (MANE Select); coding-DNA position 1083, G replaced by A.
Protein change: p.Met361Ile; replaces methionine 361 with isoleucine.
Molecular consequence: missense variant. On other transcripts: 3 prime UTR variant (1).
Genome position (GRCh38, 1-based): chr14:24,240,309, C>T on the plus strand (G>A on the coding strand, the complement: TINF2 is on the minus strand). VCF-style: chr14-24240309-C-T. GRCh37 (hg19) VCF-style: chr14-24709515-C-T.
Other names: c.978G>A, p.Met326Ile (NM_001363668.2); c.*106G>A (NM_012461.3); short protein forms M361I, M326I.
Identifiers: ClinVar variation 957410 (VCV000957410.11), dbSNP rs2040542787, ClinGen allele CA389222865.
Genomic context (GRCh38, chr14:24,240,309, plus strand): 5'-CTCAGACTACCTACCTGGCTTCCTGGCCCTAGGAGGTAATAATGATAGTCTCAGGGGGTC[C>T]ATGTAGCAATCCAAGCAATTCCTGAGGTGAGAGCAAGCAAAGAGGATAGGATGAAGGGAA-3'
Protein context (NP_001092744.1, residues 351-371): EQKENCLDCY[Met361Ile]DPLRLSLLPP